The following is an entry in ClinVar:

NM_001378454.1(ALMS1):c.4835C>T (p.Ala1612Val)

Gene: ALMS1 (ALMS1 centrosome and basal body associated protein; plus strand). Cytogenetic location: 2p13.1.
Variant type: single nucleotide variant.
Coding change: c.4835C>T on transcript NM_001378454.1 (MANE Select); coding-DNA position 4835, C replaced by T.
Protein change: p.Ala1612Val; replaces alanine 1612 with valine.
Molecular consequence: missense variant.
Genome position (GRCh38, 1-based): chr2:73,451,362, C>T. VCF-style: chr2-73451362-C-T. GRCh37 (hg19) VCF-style: chr2-73678489-C-T.
Other names: c.4838C>T, p.Ala1613Val (NM_015120.4); short protein forms A1613V, A1612V.
Identifiers: ClinVar variation 2762615 (VCV002762615.1), dbSNP rs2466102986, ClinGen allele CA347279365.

ClinVar aggregate classification (germline): Uncertain significance (1 of 4 stars; one submission).

Conditions:
Alstrom syndrome (ALMS). Identifiers: Orphanet 64, MedGen C0268425, MONDO:0008763, OMIM 203800.

Allele frequency attached by ClinVar (database versions not stated): gnomAD exomes 0.00001.
gnomAD v4.1: 14 of 1,614,044 alleles (0.00087%); highest among the groups gnomAD compares: Non-Finnish European, 0.0012%; no homozygotes.

Submission:

Labcorp Genetics (formerly Invitae), Labcorp
Classification: Uncertain significance for Alstrom syndrome. Last evaluated: 2023-08-17. Review status: criteria provided, single submitter. Criteria: Invitae Variant Classification Sherloc (09022015). Collection method: clinical testing. Allele origin: germline.
Comment: Experimental studies and prediction algorithms are not available or were not evaluated, and the functional significance of this variant is currently unknown. In summary, the available evidence is currently insufficient to determine the role of this variant in disease. Therefore, it has been classified as a Variant of Uncertain Significance. This variant has not been reported in the literature in individuals affected with ALMS1-related conditions. This variant is not present in population databases (gnomAD no frequency). This sequence change replaces alanine, which is neutral and non-polar, with valine, which is neutral and non-polar, at codon 1613 of the ALMS1 protein (p.Ala1613Val).